The following is an entry in ClinVar:

NM_020928.2(ZSWIM6):c.1906G>A (p.Val636Met)

Gene: ZSWIM6 (zinc finger SWIM-type containing 6; plus strand). Cytogenetic location: 5q12.1.
Variant type: single nucleotide variant.
Coding change: c.1906G>A on transcript NM_020928.2 (MANE Select); coding-DNA position 1906, G replaced by A.
Protein change: p.Val636Met; replaces valine 636 with methionine.
Molecular consequence: missense variant.
Genome position (GRCh38, 1-based): chr5:61,530,120, G>A. VCF-style: chr5-61530120-G-A. GRCh37 (hg19) VCF-style: chr5-60825947-G-A.
Other names: short protein forms V636M.
Identifiers: ClinVar variation 585031 (VCV000585031.39), dbSNP rs140760439, ClinGen allele CA3278396.

ClinVar aggregate classification (germline): Benign/Likely benign. Review status: criteria provided, multiple submitters, no conflicts (2 of 4 stars). 4 submissions from 4 submitters: Benign (1); Likely benign (2). 1 of the submissions does not count toward it. Last evaluated 2026-09-01.

Conditions:
Acromelic frontonasal dysostosis (AFND). Identifiers: Orphanet 1827, MedGen C1863616, MONDO:0011359, OMIM 603671.
ZSWIM6-related disorder. Also called: ZSWIM6-related condition.

Allele frequency attached by ClinVar (database versions not stated): 1000 Genomes Project 30x 0.00297; gnomAD 0.00337 and 0.00358; TOPMed 0.00343; ESP Exome Variant Server 0.00350; 1000 Genomes Project 0.00359; gnomAD exomes 0.00441 and 0.00511; ExAC 0.00533.
gnomAD v4.1: 7,682 of 1,551,740 alleles (0.5%); highest among the groups gnomAD compares: Middle Eastern, 0.83%; 40 homozygotes.

Submissions (4):

CeGaT Center for Human Genetics Tuebingen
Classification: Likely benign. Last evaluated: 2026-09-01. Review status: criteria provided, single submitter. Criteria: CeGaT Center For Human Genetics Tuebingen Variant Classification Criteria Version 2. Collection method: clinical testing. Allele origin: germline. Affected: yes. Observed: 33 variant alleles.
Comment: ZSWIM6: BS2

Labcorp Genetics (formerly Invitae), Labcorp
Classification: Benign. Last evaluated: 2026-02-03. Review status: criteria provided, single submitter. Criteria: Invitae Variant Classification Sherloc (09022015). Collection method: clinical testing. Allele origin: germline.

Blueprint Genetics
Classification: Likely benign. Last evaluated: 2024-11-25. Review status: criteria provided, single submitter. Criteria: ACMG Guidelines, 2015. Collection method: clinical testing. Allele origin: germline.

PreventionGenetics, part of Exact Sciences
Classification: Benign for ZSWIM6-related condition. Last evaluated: 2019-05-06. Review status: no assertion criteria provided. Collection method: clinical testing. Allele origin: germline. Not counted in ClinVar's aggregate classification.
Comment: This variant is classified as benign based on ACMG/AMP sequence variant interpretation guidelines (Richards et al. 2015 PMID: 25741868, with internal and published modifications).